The following is an entry in ClinVar:

NM_198282.4(STING1):c.233G>A (p.Arg78Gln)

Gene: STING1 (stimulator of interferon response cGAMP interactor 1; minus strand). Cytogenetic location: 5q31.2.
Variant type: single nucleotide variant.
Coding change: c.233G>A on transcript NM_198282.4 (MANE Select); coding-DNA position 233, G replaced by A.
Protein change: p.Arg78Gln; replaces arginine 78 with glutamine.
Molecular consequence: missense variant. On other transcripts: 5 prime UTR variant (1).
Genome position (GRCh38, 1-based): chr5:139,481,337, C>T on the plus strand (G>A on the coding strand, the complement: STING1 is on the minus strand). VCF-style: chr5-139481337-C-T. GRCh37 (hg19) VCF-style: chr5-138860922-C-T.
Other names: c.233G>A, p.Arg78Gln (NM_001301738.2); c.-125G>A (NM_001367258.1); short protein forms R78Q.
Identifiers: ClinVar variation 940285 (VCV000940285.10), dbSNP rs11554775, ClinGen allele CA3435462.
Genomic context (GRCh38, chr5:139,481,337, plus strand): 5'-AGGGCCCCACGGCGGAGGGGGCAGCCCAGGCAGGCCCGCACAGTCCTCCAGTAGCTGCCC[C>T]GGTACCTGTGAGTGACAGCCAGACCCCAGACCCCAGCCCCCAGCCCAGCTCAGCCAGAGA-3'
Protein context (NP_938023.1, residues 68-88): EELRHIHSRY[Arg78Gln]GSYWRTVRAC

ClinVar aggregate classification (germline): Uncertain significance. Review status: criteria provided, multiple submitters, no conflicts (2 of 4 stars). 2 submissions from 2 submitters: Uncertain significance (2). Last evaluated 2026-01-13.

Conditions:
STING-associated vasculopathy with onset in infancy. Also called: Sting-associated vasculopathy, infantile-onset. Identifiers: Orphanet 425120, MedGen C4014722, MONDO:0014405, OMIM 615934.

Allele frequency attached by ClinVar (database versions not stated): TOPMed 0.00002; gnomAD exomes 0.00003 and 0.00002; ExAC 0.00005; gnomAD 0.00001; 1000 Genomes Project 30x 0.00016; 1000 Genomes Project 0.00020.
gnomAD v4.1: 23 of 1,590,796 alleles (0.0014%); highest among the groups gnomAD compares: South Asian, 0.014%; no homozygotes.

Submissions (2):

Labcorp Genetics (formerly Invitae), Labcorp
Classification: Uncertain significance for STING-associated vasculopathy with onset in infancy. Last evaluated: 2026-01-13. Review status: criteria provided, single submitter. Criteria: Invitae Variant Classification Sherloc (09022015). Collection method: clinical testing. Allele origin: germline.
Comment: This sequence change replaces arginine, which is basic and polar, with glutamine, which is neutral and polar, at codon 78 of the TMEM173 protein (p.Arg78Gln). This variant is present in population databases (rs11554775, gnomAD 0.01%). This variant has not been reported in the literature in individuals affected with TMEM173-related conditions. ClinVar contains an entry for this variant (Variation ID: 940285). Invitae Evidence Modeling of protein sequence and biophysical properties (such as structural, functional, and spatial information, amino acid conservation, physicochemical variation, residue mobility, and thermodynamic stability) indicates that this missense variant is not expected to disrupt TMEM173 protein function with a negative predictive value of 80%. In summary, the available evidence is currently insufficient to determine the role of this variant in disease. Therefore, it has been classified as a Variant of Uncertain Significance.

Johns Hopkins Genomics, Johns Hopkins University
Classification: Uncertain significance for STING-associated vasculopathy with onset in infancy. Last evaluated: 2022-12-14. Review status: criteria provided, single submitter. Criteria: ACMG Guidelines, 2015. Collection method: clinical testing. Allele origin: germline.
Comment: This STING1 missense variant (rs11554775) is rare (<0.1%) in a large population dataset (gnomAD v2.1.1: 7/226078 total alleles; 0.0031%; no homozygotes). It has been reported in ClinVar (Variation ID 940285), but has not been reported in the literature, to our knowledge. Two bioinformatic tools queried predict that this substitution would be tolerated, but these algorithms have low specificity, especially for predicting gain of function variants. We consider the clinical significance of c.233G>A;p.Arg78Gln in STING1 to be uncertain at this time.

Literature cited by the submitters: PubMed 33014937 (cited by Johns Hopkins Genomics, Johns Hopkins University); PubMed 33217613 (cited by Johns Hopkins Genomics, Johns Hopkins University).